The following is an entry in ClinVar:

ClinVar aggregate classification (germline): Pathogenic (1 of 4 stars; one submission).

Conditions:
Familial thoracic aortic aneurysm and aortic dissection (TAAD). Also called: Thoracic aortic aneurysms and dissections. Identifiers: Orphanet 91387, MedGen C4707243, MONDO:0019625.

Submission:

Labcorp Genetics (formerly Invitae), Labcorp
Classification: Pathogenic for Familial thoracic aortic aneurysm and aortic dissection. Last evaluated: 2017-05-06. Review status: criteria provided, single submitter. Criteria: Invitae Variant Classification Sherloc (09022015). Collection method: clinical testing. Allele origin: germline.
Comment: For these reasons, this variant has been classified as Pathogenic. While this particular variant has not been reported in the literature, truncating variants in SMAD3 are known to be pathogenic (PMID: 21778426, 24804794). This sequence change inserts 2 nucleotides in exon 7 of the SMAD3 mRNA (c.903_904dupGG), causing a frameshift at codon 302. This creates a premature translational stop signal (p.Glu302Glyfs*40) and is expected to result in an absent or disrupted protein product.

Literature cited by the submitters: PubMed 21778426; PubMed 24804794.

NM_005902.4(SMAD3):c.903_904dup (p.Glu302fs)

Gene: SMAD3 (SMAD family member 3; plus strand). Cytogenetic location: 15q22.33.
Variant type: Duplication.
Coding change: c.903_904dup on transcript NM_005902.4 (MANE Select); coding-DNA positions 903 to 904, 2 bases duplicated (GG; older notation c.903_904dupGG).
Protein change: p.Glu302fs; shifts the reading frame from glutamic acid 302.
Molecular consequence: frameshift variant.
Genome position (GRCh38, 1-based): chr15:67,184,758-67,184,759, GG duplicated; duplicating any 2 consecutive bases within chr15:67,184,756-67,184,759 gives the same sequence; the c. name uses the placement nearest the transcript's 3' end. VCF-style (leftmost placement, unchanged base first): chr15-67184755-A-AGG. GRCh37 (hg19) VCF-style: chr15-67477093-A-AGG.
Other names: c.588_589dup, p.Glu197fs (NM_001145102.2); c.771_772dup, p.Glu258fs (NM_001145103.2); c.318_319dup, p.Glu107fs (NM_001145104.2); short protein forms E107fs, E302fs, E197fs, E258fs.
Identifiers: ClinVar variation 405566 (VCV000405566.6), dbSNP rs1060500770, ClinGen allele CA16614551.